The following is an entry in ClinVar:

NM_001009944.3(PKD1):c.12019C>A (p.Arg4007Ser)

Gene: PKD1 (polycystin 1, transient receptor potential channel interacting; minus strand). Cytogenetic location: 16p13.3.
Variant type: single nucleotide variant.
Coding change: c.12019C>A on transcript NM_001009944.3 (MANE Select); coding-DNA position 12019, C replaced by A.
Protein change: p.Arg4007Ser; replaces arginine 4007 with serine.
Molecular consequence: missense variant.
Genome position (GRCh38, 1-based): chr16:2,090,793, G>T on the plus strand (C>A on the coding strand, the complement: PKD1 is on the minus strand). VCF-style: chr16-2090793-G-T. GRCh37 (hg19) VCF-style: chr16-2140794-G-T.
Other names: c.12016C>A, p.Arg4006Ser (NM_000296.4); short protein forms R4006S, R4007S.
Identifiers: ClinVar variation 1699857 (VCV001699857.2), dbSNP rs767826564, ClinGen allele CA394328103.

ClinVar aggregate classification (germline): Uncertain significance (1 of 4 stars; one submission).

gnomAD v4.1: 2 of 1,612,534 alleles (0.00012%); highest among the groups gnomAD compares: African/African-American, 0.0027%; no homozygotes.

Submission:

GeneDx
Classification: Uncertain significance. Last evaluated: 2022-01-17. Review status: criteria provided, single submitter. Criteria: GeneDx Variant Classification Process June 2021. Collection method: clinical testing. Allele origin: germline. Affected: yes.
Comment: Has not been previously published as pathogenic or benign to our knowledge; In silico analysis supports that this missense variant has a deleterious effect on protein structure/function; In-silico analysis is inconclusive as to whether the variant alters gene splicing. In the absence of RNA/functional studies, the actual effect of this sequence change is unknown.